The following is an entry in ClinVar:

NM_001776.6(ENTPD1):c.967C>T (p.Gln323Ter)

Genes: ENTPD1 (ectonucleoside triphosphate diphosphohydrolase 1; plus strand), ENTPD1-AS1 (ENTPD1 antisense RNA 1; minus strand). Cytogenetic location: 10q24.1.
Variant type: single nucleotide variant.
Coding change: c.967C>T on transcript NM_001776.6 (MANE Select); coding-DNA position 967, C replaced by T.
Protein change: p.Gln323Ter; replaces glutamine 323 with a stop codon.
Molecular consequence: nonsense.
Genome position (GRCh38, 1-based): chr10:95,847,599, C>T. VCF-style: chr10-95847599-C-T. GRCh37 (hg19) VCF-style: chr10-97607356-C-T.
Other names: c.988C>T, p.Gln330Ter (NM_001098175.2); c.1003C>T, p.Gln335Ter (NM_001164178.1, NM_001320916.1); c.844C>T, p.Gln282Ter (NM_001164179.2); c.643C>T, p.Gln215Ter (NM_001164181.1, NM_001312654.1); c.553C>T, p.Gln185Ter (NM_001164182.2, NM_001164183.2); short protein forms Q185*, Q215*, Q282*, Q323*, Q330*, Q335*.
Identifiers: ClinVar variation 3775363 (VCV003775363.1).

ClinVar aggregate classification (germline): Pathogenic (1 of 4 stars; one submission).

Conditions:
Hereditary spastic paraplegia 64. Also called: ENTPD1-Related Neurodevelopmental Disorder; Spastic paraplegia 64, autosomal recessive. Identifiers: Orphanet 401810, MedGen C3810289, MONDO:0014303, OMIM 615683.

Submission:

3billion
Classification: Pathogenic for Hereditary spastic paraplegia 64. Last evaluated: 2023-10-23. Review status: criteria provided, single submitter. Criteria: ACMG Guidelines, 2015. Collection method: clinical testing. Allele origin: germline. Affected: yes.
Comment: The variant is not observed in the gnomAD v2.1.1 dataset. Predicted Consequence/Location: Stop-gained (nonsense): predicted to result in a loss or disruption of normal protein function through nonsense-mediated decay (NMD) or protein truncation. Multiple pathogenic variants are reported downstream of the variant. The variant has been reported to be associated with ENTPD1-related disorder (PMID: 35471564). Therefore, this variant is classified as Pathogenic according to the recommendation of ACMG/AMP guideline.

Literature cited by the submitters: PubMed 35471564.